The following is an entry in ClinVar:

NM_001453.3(FOXC1):c.571C>T (p.Leu191Phe)

Gene: FOXC1 (forkhead box C1; plus strand). Cytogenetic location: 6p25.3.
Variant type: single nucleotide variant.
Coding change: c.571C>T on transcript NM_001453.3 (MANE Select); coding-DNA position 571, C replaced by T.
Protein change: p.Leu191Phe; replaces leucine 191 with phenylalanine.
Molecular consequence: missense variant.
Genome position (GRCh38, 1-based): chr6:1,611,016, C>T. VCF-style: chr6-1611016-C-T. GRCh37 (hg19) VCF-style: chr6-1611251-C-T.
Other names: c.571C>T (NM_001453.2); short protein forms L191F.
Identifiers: ClinVar variation 1356400 (VCV001356400.9), dbSNP rs1762529243, ClinGen allele CA362559121.

ClinVar aggregate classification (germline): Uncertain significance. Review status: criteria provided, multiple submitters, no conflicts (2 of 4 stars). 2 submissions from 2 submitters: Uncertain significance (2). Last evaluated 2026-07-20.

Conditions:
Inborn genetic diseases. Identifiers: MedGen C0950123, MeSH D030342.
Axenfeld-Rieger syndrome type 3 (RIEG3). Also called: AXENFELD-RIEGER ANOMALY WITH CARDIAC DEFECTS AND/OR SENSORINEURAL HEARING LOSS. Identifiers: Orphanet 782, MedGen C2678503, MONDO:0011233, OMIM 602482.

Allele frequency attached by ClinVar (database versions not stated): gnomAD exomes below 0.00001; gnomAD 0.00001.
gnomAD v4.1: 7 of 1,593,240 alleles (0.00044%); highest among the groups gnomAD compares: Non-Finnish European, 0.0006%; no homozygotes.

Submissions (2):

Ambry Genetics
Classification: Uncertain significance for Inborn genetic diseases. Last evaluated: 2026-07-20. Review status: criteria provided, single submitter. Criteria: Ambry Variant Classification Scheme 2023. Collection method: clinical testing. Allele origin: germline.

Labcorp Genetics (formerly Invitae), Labcorp
Classification: Uncertain significance for Axenfeld-Rieger syndrome type 3. Last evaluated: 2021-06-09. Review status: criteria provided, single submitter. Criteria: Invitae Variant Classification Sherloc (09022015). Collection method: clinical testing. Allele origin: germline.
Comment: In summary, the available evidence is currently insufficient to determine the role of this variant in disease. Therefore, it has been classified as a Variant of Uncertain Significance. Algorithms developed to predict the effect of missense changes on protein structure and function are either unavailable or do not agree on the potential impact of this missense change (SIFT: "Deleterious"; PolyPhen-2: "Benign"; Align-GVGD: "Class C0"). This variant has not been reported in the literature in individuals with FOXC1-related conditions. This variant is not present in population databases (ExAC no frequency). This sequence change replaces leucine with phenylalanine at codon 191 of the FOXC1 protein (p.Leu191Phe). The leucine residue is highly conserved and there is a small physicochemical difference between leucine and phenylalanine.